The following is an entry in ClinVar:

ClinVar aggregate classification (germline): Uncertain significance. Review status: criteria provided, multiple submitters, no conflicts (2 of 4 stars). 2 submissions from 2 submitters: Uncertain significance (2). Last evaluated 2025-07-24.

Conditions:
Hereditary cancer-predisposing syndrome. Also called: Neoplastic Syndromes, Hereditary; Tumor predisposition; Hereditary Cancer Syndrome; Hereditary neoplastic syndrome. Identifiers: Orphanet 140162, MedGen C0027672, MeSH D009386, MONDO:0015356.
Familial adenomatous polyposis 1 (FAP1). Also called: FAMILIAL ADENOMATOUS POLYPOSIS 1, ATTENUATED; POLYPOSIS, ADENOMATOUS INTESTINAL. Identifiers: MedGen C2713442, MONDO:0021056, OMIM 175100. Disease mechanism: loss of function.

gnomAD v4.1: 1 of 1,613,982 alleles (0.000062%); highest among the groups gnomAD compares: Non-Finnish European, 0.000085%; no homozygotes.

Submissions (2):

Labcorp Genetics (formerly Invitae), Labcorp
Classification: Uncertain significance for Familial adenomatous polyposis 1. Last evaluated: 2025-07-24. Review status: criteria provided, single submitter. Criteria: Invitae Variant Classification Sherloc (09022015). Collection method: clinical testing. Allele origin: germline.
Comment: This sequence change replaces aspartic acid, which is acidic and polar, with valine, which is neutral and non-polar, at codon 2729 of the APC protein (p.Asp2729Val). This variant is not present in population databases (gnomAD no frequency). This variant has not been reported in the literature in individuals affected with APC-related conditions. ClinVar contains an entry for this variant (Variation ID: 1762327). Invitae Evidence Modeling of protein sequence and biophysical properties (such as structural, functional, and spatial information, amino acid conservation, physicochemical variation, residue mobility, and thermodynamic stability) indicates that this missense variant is not expected to disrupt APC protein function with a negative predictive value of 95%. In summary, the available evidence is currently insufficient to determine the role of this variant in disease. Therefore, it has been classified as a Variant of Uncertain Significance.

Ambry Genetics
Classification: Uncertain significance for Hereditary cancer-predisposing syndrome. Last evaluated: 2024-11-05. Review status: criteria provided, single submitter. Criteria: Ambry Variant Classification Scheme 2023. Collection method: clinical testing. Allele origin: germline.
Comment: The p.D2729V variant (also known as c.8186A>T), located in coding exon 15 of the APC gene, results from an A to T substitution at nucleotide position 8186. The aspartic acid at codon 2729 is replaced by valine, an amino acid with highly dissimilar properties. This amino acid position is conserved. In addition, in silico predictors for this gene do not accurately predict pathogenicity. Since supporting evidence is limited at this time, the clinical significance of this alteration remains unclear.

NM_000038.6(APC):c.8186A>T (p.Asp2729Val)

Gene: APC (APC regulator of Wnt signaling pathway; plus strand). Cytogenetic location: 5q22.2.
Variant type: single nucleotide variant.
Coding change: c.8186A>T on transcript NM_000038.6 (MANE Select); coding-DNA position 8186, A replaced by T.
Protein change: p.Asp2729Val; replaces aspartic acid 2729 with valine.
Molecular consequence: missense variant.
Genome position (GRCh38, 1-based): chr5:112,843,780, A>T. VCF-style: chr5-112843780-A-T. GRCh37 (hg19) VCF-style: chr5-112179477-A-T.
Other names: c.8186A>T, p.Asp2729Val (NM_001127510.3, NM_001354895.2, NM_001407450.1); c.8132A>T, p.Asp2711Val (NM_001127511.3); c.8240A>T, p.Asp2747Val (NM_001354896.2, NM_001407447.1, NM_001407448.1 and 1 more transcripts); c.8216A>T, p.Asp2739Val (NM_001354897.2); c.8111A>T, p.Asp2704Val (NM_001354898.2); c.8102A>T, p.Asp2701Val (NM_001354899.2); c.8063A>T, p.Asp2688Val (NM_001354900.2); c.8009A>T, p.Asp2670Val (NM_001354901.2, NM_001407453.1); and 11 more; short protein forms D2569V, D2603V, D2628V, D2739V, D2345V, D2670V, D2719V, D2729V.
Identifiers: ClinVar variation 1762327 (VCV001762327.6), dbSNP rs2150000604, ClinGen allele CA16039102.
Genomic context (GRCh38, chr5:112,843,780, plus strand): 5'-GCAGTGTTCCCATGCGTACCGTGGGTTTGGAAAATCGCCTGAACTCCTTTATTCAGGTGG[A>T]TGCCCCTGACCAAAAAGGAACTGAGATAAAACCAGGACAAAATAATCCTGTCCCTGTATC-3'
Protein context (NP_000029.2, residues 2719-2739): ENRLNSFIQV[Asp2729Val]APDQKGTEIK